The following is an entry in ClinVar:

ClinVar aggregate classification (germline): Uncertain significance (1 of 4 stars; one submission).

Submission:

Labcorp Genetics (formerly Invitae), Labcorp
Classification: Uncertain significance. Last evaluated: 2023-03-08. Review status: criteria provided, single submitter. Criteria: Invitae Variant Classification Sherloc (09022015). Collection method: clinical testing. Allele origin: germline.
Comment: This variant has not been reported in the literature in individuals affected with CYP7A1-related conditions. Advanced modeling of protein sequence and biophysical properties (such as structural, functional, and spatial information, amino acid conservation, physicochemical variation, residue mobility, and thermodynamic stability) performed at Invitae indicates that this missense variant is expected to disrupt CYP7A1 protein function. In summary, the available evidence is currently insufficient to determine the role of this variant in disease. Therefore, it has been classified as a Variant of Uncertain Significance. This variant is not present in population databases (gnomAD no frequency). This sequence change replaces glycine, which is neutral and non-polar, with valine, which is neutral and non-polar, at codon 43 of the CYP7A1 protein (p.Gly43Val).

NM_000780.4(CYP7A1):c.128G>T (p.Gly43Val)

Gene: CYP7A1 (cytochrome P450 family 7 subfamily A member 1; minus strand). Cytogenetic location: 8q12.1.
Variant type: single nucleotide variant.
Coding change: c.128G>T on transcript NM_000780.4 (MANE Select); coding-DNA position 128, G replaced by T.
Protein change: p.Gly43Val; replaces glycine 43 with valine.
Molecular consequence: missense variant.
Genome position (GRCh38, 1-based): chr8:58,498,422, C>A on the plus strand (G>T on the coding strand, the complement: CYP7A1 is on the minus strand). VCF-style: chr8-58498422-C-A. GRCh37 (hg19) VCF-style: chr8-59410981-C-A.
Other names: short protein forms G43V.
Identifiers: ClinVar variation 3004288 (VCV003004288.3), dbSNP rs1809482154, ClinGen allele CA371296929.